The following is an entry in ClinVar:

NM_001144869.3(LIPT2):c.206A>C (p.Glu69Ala)

Genes: LIPT2 (lipoyl(octanoyl) transferase 2; minus strand), LIPT2-AS1 (LIPT2 antisense RNA 1; plus strand), LOC130006411 (ATAC-STARR-seq lymphoblastoid silent region 3753; plus strand). Cytogenetic location: 11q13.4.
Variant type: single nucleotide variant.
Coding change: c.206A>C on transcript NM_001144869.3 (MANE Select); coding-DNA position 206, A replaced by C.
Protein change: p.Glu69Ala; replaces glutamic acid 69 with alanine.
Molecular consequence: missense variant. On other transcripts: non-coding transcript variant (1).
Genome position (GRCh38, 1-based): chr11:74,493,498, T>G on the plus strand (A>C on the coding strand, the complement: LIPT2 is on the minus strand). VCF-style: chr11-74493498-T-G. GRCh37 (hg19) VCF-style: chr11-74204543-T-G.
Other names: c.206A>C, p.Glu69Ala (NM_001329941.2, NM_001329942.2); short protein forms E69A.
Identifiers: ClinVar variation 1348114 (VCV001348114.6), dbSNP rs1864402259, ClinGen allele CA381976849.
Genomic context (GRCh38, chr11:74,493,498, plus strand): 5'-GCCAGGCCACCGCGGCCTGTGACGCGCACCTCGGCGCCCAAGGCCCGTAGCCGCGCAGTT[T>G]CCTCGGGCGTCAGGCCGCCGCGCAGCCCGGCCGTATACACGGGCCCCGCGGGCTCGCAGA-3'
Protein context (NP_001138341.1, residues 59-79): AGLRGGLTPE[Glu69Ala]TARLRALGAE

ClinVar aggregate classification (germline): Uncertain significance (1 of 4 stars; one submission).

Allele frequency attached by ClinVar (database versions not stated): TOPMed below 0.00001; gnomAD exomes 0.00001.
gnomAD v4.1: 20 of 1,437,168 alleles (0.0014%); highest among the groups gnomAD compares: South Asian, 0.0028%; no homozygotes.

Submission:

Labcorp Genetics (formerly Invitae), Labcorp
Classification: Uncertain significance. Last evaluated: 2021-11-23. Review status: criteria provided, single submitter. Criteria: Invitae Variant Classification Sherloc (09022015). Collection method: clinical testing. Allele origin: germline.
Comment: This sequence change replaces glutamic acid, which is acidic and polar, with alanine, which is neutral and non-polar, at codon 69 of the LIPT2 protein (p.Glu69Ala). This variant is not present in population databases (gnomAD no frequency). This variant has not been reported in the literature in individuals affected with LIPT2-related conditions. Algorithms developed to predict the effect of missense changes on protein structure and function are either unavailable or do not agree on the potential impact of this missense change (SIFT: "Not Available"; PolyPhen-2: "Benign"; Align-GVGD: "Not Available"). In summary, the available evidence is currently insufficient to determine the role of this variant in disease. Therefore, it has been classified as a Variant of Uncertain Significance.